The following is an entry in ClinVar:

NM_001377.3(DYNC2H1):c.8212C>T (p.Leu2738Phe)

Gene: DYNC2H1 (dynein cytoplasmic 2 heavy chain 1; plus strand). Cytogenetic location: 11q22.3.
Variant type: single nucleotide variant.
Coding change: c.8212C>T on transcript NM_001377.3 (MANE Select); coding-DNA position 8212, C replaced by T.
Protein change: p.Leu2738Phe; replaces leucine 2738 with phenylalanine.
Molecular consequence: missense variant.
Genome position (GRCh38, 1-based): chr11:103,203,677, C>T. VCF-style: chr11-103203677-C-T. GRCh37 (hg19) VCF-style: chr11-103074406-C-T.
Other names: c.8212C>T, p.Leu2738Phe (NM_001080463.2); short protein forms L2738F.
Identifiers: ClinVar variation 3253251 (VCV003253251.1), dbSNP rs1862806163.

ClinVar aggregate classification (germline): Uncertain significance (1 of 4 stars; one submission).

Submission:

GeneDx
Classification: Uncertain significance. Last evaluated: 2023-08-07. Review status: criteria provided, single submitter. Criteria: GeneDx Variant Classification Process June 2021. Collection method: clinical testing. Allele origin: germline. Affected: yes.
Comment: Not observed at significant frequency in large population cohorts (gnomAD); In silico analysis supports that this missense variant has a deleterious effect on protein structure/function; Has not been previously published as pathogenic or benign to our knowledge